The following is an entry in ClinVar:

ClinVar aggregate classification (germline): Uncertain significance (1 of 4 stars; one submission).

Conditions:
ADAMTS18-related disorder. Also called: ADAMTS18-related condition.

gnomAD v4.1: 6 of 1,614,180 alleles (0.00037%); highest among the groups gnomAD compares: Non-Finnish European, 0.00042%; no homozygotes.

Submission:

PreventionGenetics, part of Exact Sciences
Classification: Uncertain significance for ADAMTS18-related condition. Last evaluated: 2025-05-14. Review status: criteria provided, single submitter. Criteria: ACMG Guidelines, 2015. Collection method: clinical testing. Allele origin: germline.
Comment: The ADAMTS18 c.1753C>T variant is predicted to result in the amino acid substitution p.Pro585Ser. To our knowledge, this variant has not been reported in the literature. This variant is reported in 0.0018% of alleles in individuals of European (Non-Finnish) descent in gnomAD. At this time, the clinical significance of this variant is uncertain due to the absence of conclusive functional and genetic evidence.

NM_199355.4(ADAMTS18):c.1753C>T (p.Pro585Ser)

Gene: ADAMTS18 (ADAM metallopeptidase with thrombospondin type 1 motif 18; minus strand). Cytogenetic location: 16q23.1.
Variant type: single nucleotide variant.
Coding change: c.1753C>T on transcript NM_199355.4 (MANE Select); coding-DNA position 1753, C replaced by T.
Protein change: p.Pro585Ser; replaces proline 585 with serine.
Molecular consequence: missense variant.
Genome position (GRCh38, 1-based): chr16:77,335,862, G>A on the plus strand (C>T on the coding strand, the complement: ADAMTS18 is on the minus strand). VCF-style: chr16-77335862-G-A. GRCh37 (hg19) VCF-style: chr16-77369759-G-A.
Other names: c.1237C>T, p.Pro413Ser (NM_001326358.2); short protein forms P413S, P585S.
Identifiers: ClinVar variation 5002543 (VCV005002543.1).
Genomic context (GRCh38, chr16:77,335,862, plus strand): 5'-ATGTCCGGGAACATTCTGACCACTTCGACCAGGCGGACCACTGGCCGTGGATGGGCCGGG[G>A]CCCGAGCTCCCCAAACTTTACGCACTGGCCTTGCCGACACCACTGTGAAAAGAACGTGTA-3'
Protein context (NP_955387.1, residues 575-595): GQCVKFGELG[Pro585Ser]RPIHGQWSAW